The following is an entry in ClinVar:

ClinVar aggregate classification (germline): Conflicting classifications of pathogenicity. Review status: criteria provided, conflicting classifications (1 of 4 stars). 4 submissions from 4 submitters: Pathogenic (1); Uncertain significance (3). Last evaluated 2025-06-09.

Conditions:
Congenital sideroblastic anemia-B-cell immunodeficiency-periodic fever-developmental delay syndrome. Also called: Sideroblastic anemia with B-cell immunodeficiency, periodic fevers, and developmental delay. Identifiers: Orphanet 369861, MedGen C4015172, MONDO:0014487, OMIM 616084.
Retinal dystrophy. Also called: Inherited retinal dystrophy. Identifiers: Orphanet 71862, MedGen C0854723, MeSH D058499, MONDO:0019118, HP:0000556.
Retinitis pigmentosa and erythrocytic microcytosis (RPEM). Identifiers: MedGen C4310776, MONDO:0014850, OMIM 616959.
Inborn genetic diseases. Identifiers: MedGen C0950123, MeSH D030342.

Allele frequency attached by ClinVar (database versions not stated): gnomAD 0.00001; TOPMed 0.00001; ExAC 0.00002; gnomAD exomes 0.00003 and 0.00004.

Submissions (4):

Labcorp Genetics (formerly Invitae), Labcorp
Classification: Pathogenic for Congenital sideroblastic anemia-B-cell immunodeficiency-periodic fever-developmental delay syndrome. Last evaluated: 2025-06-09. Review status: criteria provided, single submitter. Criteria: Invitae Variant Classification Sherloc (09022015). Collection method: clinical testing. Allele origin: germline.
Comment: This sequence change replaces arginine, which is basic and polar, with tryptophan, which is neutral and slightly polar, at codon 99 of the TRNT1 protein (p.Arg99Trp). This variant is present in population databases (rs759826831, gnomAD 0.007%). This missense change has been observed in individual(s) with clinical features of TRNT1-related conditions (PMID: 27389523, 27531075, 27943079, 29358286, 30758723, 34864912). ClinVar contains an entry for this variant (Variation ID: 659705). Invitae Evidence Modeling of protein sequence and biophysical properties (such as structural, functional, and spatial information, amino acid conservation, physicochemical variation, residue mobility, and thermodynamic stability) indicates that this missense variant is expected to disrupt TRNT1 protein function with a positive predictive value of 80%. For these reasons, this variant has been classified as Pathogenic.

Dept Of Ophthalmology, Nagoya University
Classification: Uncertain significance for Retinal dystrophy. Last evaluated: 2023-10-01. Review status: criteria provided, single submitter. Criteria: Submitter's publication. Collection method: research. Allele origin: germline. Affected: yes.

Fulgent Genetics
Classification: Uncertain significance for Congenital sideroblastic anemia-B-cell immunodeficiency-periodic fever-developmental delay syndrome; Retinitis pigmentosa and erythrocytic microcytosis. Last evaluated: 2021-07-19. Review status: criteria provided, single submitter. Criteria: ACMG Guidelines, 2015. Collection method: clinical testing. Allele origin: unknown.

Ambry Genetics
Classification: Uncertain significance for Inborn genetic diseases. Last evaluated: 2021-01-13. Review status: criteria provided, single submitter. Criteria: Ambry Variant Classification Scheme 2023. Collection method: clinical testing. Allele origin: germline.

Literature cited by the submitters: PubMed 27389523 (cited by Labcorp Genetics (formerly Invitae), Labcorp and Ambry Genetics); PubMed 27531075 (cited by Labcorp Genetics (formerly Invitae), Labcorp and Ambry Genetics); PubMed 27943079 (cited by Labcorp Genetics (formerly Invitae), Labcorp); PubMed 29358286 (cited by Labcorp Genetics (formerly Invitae), Labcorp and Ambry Genetics); PubMed 30758723 (cited by Labcorp Genetics (formerly Invitae), Labcorp and Ambry Genetics); PubMed 34864912 (cited by Labcorp Genetics (formerly Invitae), Labcorp).

NM_182916.3(TRNT1):c.295C>T (p.Arg99Trp)

Gene: TRNT1 (tRNA nucleotidyl transferase 1; plus strand). Cytogenetic location: 3p26.2.
Variant type: single nucleotide variant.
Coding change: c.295C>T on transcript NM_182916.3 (MANE Select); coding-DNA position 295, C replaced by T.
Protein change: p.Arg99Trp; replaces arginine 99 with tryptophan.
Molecular consequence: missense variant. On other transcripts: non-coding transcript variant (8).
Genome position (GRCh38, 1-based): chr3:3,137,406, C>T. VCF-style: chr3-3137406-C-T. GRCh37 (hg19) VCF-style: chr3-3179090-C-T.
Other names: c.295C>T, p.Arg99Trp (NM_001302946.2, NM_001367321.1, NM_001367322.1 and 2 more transcripts); short protein forms R99W.
Identifiers: ClinVar variation 659705 (VCV000659705.8), dbSNP rs759826831, ClinGen allele CA2228593.